The following is an entry in ClinVar:

ClinVar aggregate classification (germline): Uncertain significance. Review status: criteria provided, multiple submitters, no conflicts (2 of 4 stars). 2 submissions from 2 submitters: Uncertain significance (2). Last evaluated 2022-08-09.

Conditions:
Early-onset Parkinson disease 20. Also called: PARKINSON DISEASE 20, AUTOSOMAL RECESSIVE EARLY-ONSET. Identifiers: Orphanet 391411, MedGen C3809824, MONDO:0014233, OMIM 615530.
Developmental and epileptic encephalopathy, 53. Also called: Epileptic encephalopathy, early infantile, 53. Identifiers: MedGen C4479313, MONDO:0033362, OMIM 617389.
Inborn genetic diseases. Identifiers: MedGen C0950123, MeSH D030342.

gnomAD v4.1: 6 of 1,614,036 alleles (0.00037%); highest among the groups gnomAD compares: Admixed American, 0.005%; no homozygotes.

Submissions (2):

Labcorp Genetics (formerly Invitae), Labcorp
Classification: Uncertain significance for Developmental and epileptic encephalopathy, 53; Early-onset Parkinson disease 20. Last evaluated: 2022-08-09. Review status: criteria provided, single submitter. Criteria: Invitae Variant Classification Sherloc (09022015). Collection method: clinical testing. Allele origin: germline.
Comment: This sequence change replaces arginine, which is basic and polar, with leucine, which is neutral and non-polar, at codon 154 of the SYNJ1 protein (p.Arg154Leu). This variant is present in population databases (no rsID available, gnomAD 0.01%). This variant has not been reported in the literature in individuals affected with SYNJ1-related conditions. ClinVar contains an entry for this variant (Variation ID: 936877). Algorithms developed to predict the effect of missense changes on protein structure and function are either unavailable or do not agree on the potential impact of this missense change (SIFT: "Tolerated"; PolyPhen-2: "Probably Damaging"; Align-GVGD: "Class C0"). In summary, the available evidence is currently insufficient to determine the role of this variant in disease. Therefore, it has been classified as a Variant of Uncertain Significance.

Ambry Genetics
Classification: Uncertain significance for Inborn genetic diseases. Last evaluated: 2021-05-10. Review status: criteria provided, single submitter. Criteria: Ambry Variant Classification Scheme 2023. Collection method: clinical testing. Allele origin: germline.

NM_203446.3(SYNJ1):c.344G>T (p.Arg115Leu)

Gene: SYNJ1 (synaptojanin 1; minus strand). Cytogenetic location: 21q22.11.
Variant type: single nucleotide variant.
Coding change: c.344G>T on transcript NM_203446.3 (MANE Select); coding-DNA position 344, G replaced by T.
Protein change: p.Arg115Leu; replaces arginine 115 with leucine.
Molecular consequence: missense variant.
Genome position (GRCh38, 1-based): chr21:32,699,973, C>A on the plus strand (G>T on the coding strand, the complement: SYNJ1 is on the minus strand). VCF-style: chr21-32699973-C-A. GRCh37 (hg19) VCF-style: chr21-34072283-C-A.
Other names: c.344G>T, p.Arg115Leu (NM_001160302.2, NM_001160306.2); c.461G>T, p.Arg154Leu (NM_003895.4); short protein forms R154L, R115L.
Identifiers: ClinVar variation 936877 (VCV000936877.8), dbSNP rs951976946, ClinGen allele CA410101614.